The following is an entry in ClinVar:

NM_173689.7(CRB2):c.370C>T (p.Arg124Cys)

Gene: CRB2 (crumbs cell polarity complex component 2; plus strand). Cytogenetic location: 9q33.3.
Variant type: single nucleotide variant.
Coding change: c.370C>T on transcript NM_173689.7 (MANE Select); coding-DNA position 370, C replaced by T.
Protein change: p.Arg124Cys; replaces arginine 124 with cysteine.
Molecular consequence: missense variant.
Genome position (GRCh38, 1-based): chr9:123,363,140, C>T. VCF-style: chr9-123363140-C-T. GRCh37 (hg19) VCF-style: chr9-126125419-C-T.
Other names: c.370C>T (NM_173689.5); short protein forms R124C.
Identifiers: ClinVar variation 854914 (VCV000854914.10), dbSNP rs148573710, ClinGen allele CA5231622.

ClinVar aggregate classification (germline): Uncertain significance. Review status: criteria provided, multiple submitters, no conflicts (2 of 4 stars). 2 submissions from 2 submitters: Uncertain significance (2). Last evaluated 2025-05-07.

Conditions:
Inborn genetic diseases. Identifiers: MedGen C0950123, MeSH D030342.

Allele frequency attached by ClinVar (database versions not stated): ExAC 0.00001; TOPMed 0.00004; ESP Exome Variant Server 0.00008.
gnomAD v4.1: 81 of 1,610,826 alleles (0.005%); highest among the groups gnomAD compares: Non-Finnish European, 0.0063%; no homozygotes.

Submissions (2):

Ambry Genetics
Classification: Uncertain significance for Inborn genetic diseases. Last evaluated: 2025-05-07. Review status: criteria provided, single submitter. Criteria: Ambry Variant Classification Scheme 2023. Collection method: clinical testing. Allele origin: germline.

Labcorp Genetics (formerly Invitae), Labcorp
Classification: Uncertain significance. Last evaluated: 2025-03-16. Review status: criteria provided, single submitter. Criteria: Invitae Variant Classification Sherloc (09022015). Collection method: clinical testing. Allele origin: germline.
Comment: This sequence change replaces arginine, which is basic and polar, with cysteine, which is neutral and slightly polar, at codon 124 of the CRB2 protein (p.Arg124Cys). The frequency data for this variant in the population databases is considered unreliable, as metrics indicate poor data quality at this position in the gnomAD database. This variant has not been reported in the literature in individuals affected with CRB2-related conditions. ClinVar contains an entry for this variant (Variation ID: 854914). Invitae Evidence Modeling of protein sequence and biophysical properties (such as structural, functional, and spatial information, amino acid conservation, physicochemical variation, residue mobility, and thermodynamic stability) indicates that this missense variant is not expected to disrupt CRB2 protein function with a negative predictive value of 95%. In summary, the available evidence is currently insufficient to determine the role of this variant in disease. Therefore, it has been classified as a Variant of Uncertain Significance.